The following is an entry in ClinVar:

NM_000548.5(TSC2):c.4721T>A (p.Phe1574Tyr)

Gene: TSC2 (TSC complex subunit 2; plus strand). Cytogenetic location: 16p13.3.
Variant type: single nucleotide variant.
Coding change: c.4721T>A on transcript NM_000548.5 (MANE Select); coding-DNA position 4721, T replaced by A.
Protein change: p.Phe1574Tyr; replaces phenylalanine 1574 with tyrosine.
Molecular consequence: missense variant. On other transcripts: non-coding transcript variant (5).
Genome position (GRCh38, 1-based): chr16:2,086,251, T>A. VCF-style: chr16-2086251-T-A. GRCh37 (hg19) VCF-style: chr16-2136252-T-A.
Other names: c.4061T>A, p.Phe1354Tyr (NM_001406681.1); c.4052T>A, p.Phe1351Tyr (NM_001406682.1, NM_001406683.1); c.4049T>A, p.Phe1350Tyr (NM_001406684.1); c.3923T>A, p.Phe1308Tyr (NM_001406685.1, NM_001406686.1); c.3920T>A, p.Phe1307Tyr (NM_001406687.1, NM_001406688.1); c.3308T>A, p.Phe1103Tyr (NM_001406689.1); c.3248T>A, p.Phe1083Tyr (NM_001406690.1); c.3245T>A, p.Phe1082Tyr (NM_001406691.1); and 26 more; short protein forms F1059Y, F1060Y, F1082Y, F1083Y, F1103Y, F1307Y, F1308Y, F1330Y.
Identifiers: ClinVar variation 4082303 (VCV004082303.1).

ClinVar aggregate classification (germline): Uncertain significance (1 of 4 stars; one submission).

Conditions:
Hereditary cancer-predisposing syndrome. Also called: Tumor predisposition; Neoplastic Syndromes, Hereditary; Hereditary neoplastic syndrome; Hereditary Cancer Syndrome. Identifiers: Orphanet 140162, MedGen C0027672, MeSH D009386, MONDO:0015356.

Submission:

Molecular Diagnostics Laboratory, Catalan Institute of Oncology
Classification: Uncertain significance for Hereditary cancer-predisposing syndrome. Last evaluated: 2025-07-10. Review status: criteria provided, single submitter. Criteria: ACMG Guidelines, 2015. Collection method: clinical testing. Allele origin: germline.
Comment: PM2_supporting, PP3_moderate c.4721T>A, located in exon 37 of the TSC2 gene, is predicted to result in the substitution of Phenylalanine with Tyrosine at codon 1574, p.(Phe1574Tyr). It is not present in the population database gnomAD v2.1.1, non cancer dataset (PM2_Supporting). The SpliceAI algorithm predicts no significant impact on splicing. The REVEL meta-predictor score for this variant (0.911) suggests a deleterious effect on protein function according to Pejaver 2022 thresholds (PMID: 36413997) (PP3_Moderate). To our knowledge, neither relevant clinical data nor well-established functional studies have been reported for this variant. Furthermore, it is absent from ClinVar. Based on the currently available information, c.4721T>A is classified as an uncertain significance variant according to ACMG guidelines.